The following is an entry in ClinVar:

ClinVar aggregate classification (germline): Likely benign. Review status: criteria provided, single submitter (1 of 4 stars). 3 submissions from 3 submitters: Likely benign (1). 2 of the submissions do not count toward it. Last evaluated 2025-12-16.

Conditions:
Maple syrup urine disease type 1A (MSUD1A). Also called: MSUD type 1A. Identifiers: MedGen C1855369, MONDO:0023691, OMIM 248600.
Maple syrup urine disease (MSUD). Identifiers: Orphanet 511, MedGen C0024776, MeSH D008375, MONDO:0009563. Disease mechanism: loss of function.
BCKDHA-related disorder. Also called: BCKDHA-related condition.

Allele frequency attached by ClinVar (database versions not stated): gnomAD exomes 0.00001 and 0.00002; TOPMed 0.00002; ExAC 0.00003; gnomAD 0.00003.
gnomAD v4.1: 23 of 1,613,266 alleles (0.0014%); highest among the groups gnomAD compares: African/African-American, 0.0067%; no homozygotes.

Submissions (3):

Labcorp Genetics (formerly Invitae), Labcorp
Classification: Likely benign for Maple syrup urine disease. Last evaluated: 2025-12-16. Review status: criteria provided, single submitter. Criteria: Invitae Variant Classification Sherloc (09022015). Collection method: clinical testing. Allele origin: germline.

Natera, Inc.
Classification: Uncertain significance for Maple syrup urine disease type 1A. Last evaluated: 2020-08-14. Review status: no assertion criteria provided. Collection method: clinical testing. Allele origin: germline. Not counted in ClinVar's aggregate classification.

PreventionGenetics, part of Exact Sciences
Classification: Likely benign for BCKDHA-related condition. Last evaluated: 2019-08-28. Review status: no assertion criteria provided. Collection method: clinical testing. Allele origin: germline. Not counted in ClinVar's aggregate classification.
Comment: This variant is classified as likely benign based on ACMG/AMP sequence variant interpretation guidelines (Richards et al. 2015 PMID: 25741868, with internal and published modifications).

NM_000709.4(BCKDHA):c.633G>A (p.Thr211=)

Gene: BCKDHA (branched chain keto acid dehydrogenase E1 subunit alpha; plus strand). Cytogenetic location: 19q13.2.
Variant type: single nucleotide variant.
Coding change: c.633G>A on transcript NM_000709.4 (MANE Select); coding-DNA position 633, G replaced by A.
Protein change: p.Thr211=; no amino-acid change (threonine 211 retained).
Molecular consequence: synonymous variant.
Genome position (GRCh38, 1-based): chr19:41,419,283, G>A. VCF-style: chr19-41419283-G-A. GRCh37 (hg19) VCF-style: chr19-41925188-G-A.
Other names: c.633G>A, p.Thr211= (NM_001164783.2).
Identifiers: ClinVar variation 792555 (VCV000792555.11), dbSNP rs750729027, ClinGen allele CA9461205.